The following is an entry in ClinVar:

ClinVar aggregate classification (germline): Uncertain significance (1 of 4 stars; one submission).

Allele frequency attached by ClinVar (database versions not stated): ExAC 0.00001; gnomAD exomes 0.00001 and 0.00002; TOPMed 0.00001.

Submission:

Labcorp Genetics (formerly Invitae), Labcorp
Classification: Uncertain significance. Last evaluated: 2023-10-20. Review status: criteria provided, single submitter. Criteria: Invitae Variant Classification Sherloc (09022015). Collection method: clinical testing. Allele origin: germline.
Comment: This sequence change replaces aspartic acid, which is acidic and polar, with asparagine, which is neutral and polar, at codon 49 of the MRPS14 protein (p.Asp49Asn). This variant is present in population databases (rs769886991, gnomAD 0.009%). This variant has not been reported in the literature in individuals affected with MRPS14-related conditions. ClinVar contains an entry for this variant (Variation ID: 1445063). An algorithm developed to predict the effect of missense changes on protein structure and function (PolyPhen-2) suggests that this variant is likely to be tolerated. In summary, the available evidence is currently insufficient to determine the role of this variant in disease. Therefore, it has been classified as a Variant of Uncertain Significance.

NM_022100.3(MRPS14):c.145G>A (p.Asp49Asn)

Gene: MRPS14 (mitochondrial ribosomal protein S14; minus strand). Cytogenetic location: 1q25.1.
Variant type: single nucleotide variant.
Coding change: c.145G>A on transcript NM_022100.3 (MANE Select); coding-DNA position 145, G replaced by A.
Protein change: p.Asp49Asn; replaces aspartic acid 49 with asparagine.
Molecular consequence: missense variant. On other transcripts: non-coding transcript variant (1).
Genome position (GRCh38, 1-based): chr1:175,018,477, C>T on the plus strand (G>A on the coding strand, the complement: MRPS14 is on the minus strand). VCF-style: chr1-175018477-C-T. GRCh37 (hg19) VCF-style: chr1-174987613-C-T.
Other names: short protein forms D49N.
Identifiers: ClinVar variation 1445063 (VCV001445063.8), dbSNP rs769886991, ClinGen allele CA1253685.